The following is an entry in ClinVar:

ClinVar aggregate classification (germline): Uncertain significance. Review status: criteria provided, multiple submitters, no conflicts (2 of 4 stars). 2 submissions from 2 submitters: Uncertain significance (2). Last evaluated 2025-10-01.

Conditions:
Spastic paraplegia. Identifiers: MedGen C0037772, HP:0001258.

gnomAD v4.1: 14 of 1,613,968 alleles (0.00087%); highest among the groups gnomAD compares: East Asian, 0.0045%; no homozygotes.

Submissions (2):

Labcorp Genetics (formerly Invitae), Labcorp
Classification: Uncertain significance for Spastic paraplegia. Last evaluated: 2025-10-01. Review status: criteria provided, single submitter. Criteria: Invitae Variant Classification Sherloc (09022015). Collection method: clinical testing. Allele origin: germline.
Comment: This sequence change replaces arginine, which is basic and polar, with glutamine, which is neutral and polar, at codon 2273 of the ZFYVE26 protein (p.Arg2273Gln). This variant is present in population databases (rs778833988, gnomAD 0.004%). This variant has not been reported in the literature in individuals affected with ZFYVE26-related conditions. An algorithm developed to predict the effect of missense changes on protein structure and function (PolyPhen-2) suggests that this variant is likely to be tolerated. In summary, the available evidence is currently insufficient to determine the role of this variant in disease. Therefore, it has been classified as a Variant of Uncertain Significance.

Blueprint Genetics
Classification: Uncertain significance. Last evaluated: 2022-02-28. Review status: criteria provided, single submitter. Criteria: ACMG Guidelines, 2015. Collection method: clinical testing. Allele origin: germline.

NM_015346.4(ZFYVE26):c.6818G>A (p.Arg2273Gln)

Gene: ZFYVE26 (zinc finger FYVE-type containing 26; minus strand). Cytogenetic location: 14q24.1.
Variant type: single nucleotide variant.
Coding change: c.6818G>A on transcript NM_015346.4 (MANE Select); coding-DNA position 6818, G replaced by A.
Protein change: p.Arg2273Gln; replaces arginine 2273 with glutamine.
Molecular consequence: missense variant.
Genome position (GRCh38, 1-based): chr14:67,755,219, C>T on the plus strand (G>A on the coding strand, the complement: ZFYVE26 is on the minus strand). VCF-style: chr14-67755219-C-T. GRCh37 (hg19) VCF-style: chr14-68221936-C-T.
Other names: short protein forms R2273Q.
Identifiers: ClinVar variation 4800637 (VCV004800637.2).